The following is an entry in ClinVar:

NM_006341.4(MAD2L2):c.609G>A (p.Val203=)

Gene: MAD2L2 (mitotic arrest deficient 2 like 2; minus strand). Cytogenetic location: 1p36.22.
Variant type: single nucleotide variant.
Coding change: c.609G>A on transcript NM_006341.4 (MANE Select); coding-DNA position 609, G replaced by A.
Protein change: p.Val203=; no amino-acid change (valine 203 retained).
Molecular consequence: synonymous variant.
Genome position (GRCh38, 1-based): chr1:11,674,802, C>T on the plus strand (G>A on the coding strand, the complement: MAD2L2 is on the minus strand). VCF-style: chr1-11674802-C-T. GRCh37 (hg19) VCF-style: chr1-11734859-C-T.
Other names: c.609G>A (NM_001127325.1); c.609G>A, p.Val203= (NM_001127325.2).
Identifiers: ClinVar variation 2192959 (VCV002192959.5), dbSNP rs578142640, ClinGen allele CA593628.

ClinVar aggregate classification (germline): Likely benign. Review status: criteria provided, single submitter (1 of 4 stars). 2 submissions from 2 submitters: Likely benign (1). 1 of the submissions does not count toward it. Last evaluated 2025-11-03.

Conditions:
MAD2L2-related disorder. Also called: MAD2L2-related condition.

Allele frequency attached by ClinVar (database versions not stated): gnomAD exomes 0.00002; TOPMed 0.00004; gnomAD 0.00005; ExAC 0.00015; 1000 Genomes Project 30x 0.00016; 1000 Genomes Project 0.00020.
gnomAD v4.1: 43 of 1,613,752 alleles (0.0027%); highest among the groups gnomAD compares: East Asian, 0.085%; no homozygotes.

Submissions (2):

Labcorp Genetics (formerly Invitae), Labcorp
Classification: Likely benign. Last evaluated: 2025-11-03. Review status: criteria provided, single submitter. Criteria: Invitae Variant Classification Sherloc (09022015). Collection method: clinical testing. Allele origin: germline.

PreventionGenetics, part of Exact Sciences
Classification: Likely benign for MAD2L2-related condition. Last evaluated: 2024-03-19. Review status: no assertion criteria provided. Collection method: clinical testing. Allele origin: germline. Not counted in ClinVar's aggregate classification.
Comment: This variant is classified as likely benign based on ACMG/AMP sequence variant interpretation guidelines (Richards et al. 2015 PMID: 25741868, with internal and published modifications).